The following is an entry in ClinVar:

NM_182961.4(SYNE1):c.17203-6del

Gene: SYNE1 (spectrin repeat containing nuclear envelope protein 1; minus strand). Cytogenetic location: 6q25.2.
Variant type: Deletion.
Coding change: c.17203-6del on transcript NM_182961.4 (MANE Select); 6 bases into the intron before coding-DNA position 17203, one base deleted (T; older notation c.17203-6delT).
Molecular consequence: intron variant.
Genome position (GRCh38, 1-based): chr6:152,308,638, A deleted on the plus strand (T on the coding strand, the reverse complement: SYNE1 is on the minus strand); the first of 14 consecutive A bases (chr6:152,308,638-152,308,651); deleting any one gives the same sequence. VCF-style (leftmost placement, unchanged base first): chr6-152308637-GA-G. GRCh37 (hg19) VCF-style: chr6-152629772-GA-G.
Other names: p.?; c.17203-6delT (NM_182961.3, NM_182961.4); c.16994-10delT (NM_033071.3); c.16990-6del (NM_033071.5).
Identifiers: ClinVar variation 218861 (VCV000218861.17), dbSNP rs55633181, ClinGen allele CA249236.

ClinVar aggregate classification (germline): Benign. Review status: criteria provided, multiple submitters, no conflicts (2 of 4 stars). 10 submissions from 10 submitters: Benign (8). 2 of the submissions do not count toward it. Last evaluated 2025-02-16.

Conditions:
Emery-Dreifuss muscular dystrophy 4, autosomal dominant (EDMD4). Also called: EMERY-DREIFUSS MUSCULAR DYSTROPHY 4 WITH VARIABLE FEATURES. Identifiers: Orphanet 261, MedGen C2751807, MONDO:0013071, OMIM 612998.
Autosomal recessive ataxia, Beauce type. Also called: Spinocerebellar ataxia, autosomal recessive 8; SYNE1-Related Autosomal Recessive Cerebellar Ataxia; ATAXIA, RECESSIVE, OF BEAUCE; SYNE1 Deficiency. Identifiers: Orphanet 88644, MedGen C1853116, MONDO:0012549, OMIM 610743.

Submissions (10):

Laboratory of Genetics, Children's Clinical University Hospital Latvia
Classification: Benign. Last evaluated: 2025-02-16. Review status: criteria provided, single submitter. Criteria: ACMG Guidelines, 2015. Collection method: clinical testing. Allele origin: germline. Affected: yes.

Blueprint Genetics
Classification: Benign. Last evaluated: 2024-11-27. Review status: criteria provided, single submitter. Criteria: ACMG Guidelines, 2015. Collection method: clinical testing. Allele origin: germline.

Molecular Genetics, Royal Melbourne Hospital
Classification: Benign for Emery-Dreifuss muscular dystrophy 4, autosomal dominant. Last evaluated: 2023-05-04. Review status: criteria provided, single submitter. Criteria: ACMG Guidelines, 2015. Collection method: clinical testing. Allele origin: germline. Affected: yes.
Comment: East Asian population allele frequency is 48.02% (rs754818389, 7,715/14,928 alleles, 683 homozygotes in gnomAD v2.1). Based on the classification scheme RMH Modified ACMG/AMP Guidelines v1.1.0, this variant is classified as BENIGN. Following criteria are met: BA1

Labcorp Genetics (formerly Invitae), Labcorp
Classification: Benign for Emery-Dreifuss muscular dystrophy 4, autosomal dominant; Spinocerebellar ataxia, autosomal recessive 8. Last evaluated: 2019-10-30. Review status: criteria provided, single submitter. Criteria: Invitae Variant Classification Sherloc (09022015). Collection method: clinical testing. Allele origin: germline.

GeneDx
Classification: Benign. Last evaluated: 2019-08-15. Review status: criteria provided, single submitter. Criteria: GeneDx Variant Classification Process June 2021. Collection method: clinical testing. Allele origin: germline. Affected: yes.

Eurofins Ntd Llc (ga)
Classification: Benign. Last evaluated: 2018-08-14. Review status: criteria provided, single submitter. Criteria: EGL ClinVar v180209 classification definitions. Collection method: clinical testing. Allele origin: germline. Observed: 1 variant allele, 1 heterozygote.

Mayo Clinic Laboratories, Mayo Clinic
Classification: Benign. Last evaluated: 2017-12-04. Review status: criteria provided, single submitter. Criteria: ACMG Guidelines, 2015. Collection method: clinical testing. Allele origin: germline. Observed: 768 variant alleles.

Genomic Diagnostic Laboratory, Division of Genomic Diagnostics, Children's Hospital of Philadelphia
Classification: Benign. Last evaluated: 2015-02-13. Review status: criteria provided, single submitter. Criteria: DGD Variant Analysis Guidelines. Collection method: clinical testing. Allele origin: unknown.

Genome Diagnostics Laboratory, University Medical Center Utrecht
Classification: Likely benign. Review status: no assertion criteria provided. Collection method: clinical testing. Allele origin: germline. Affected: yes. Study: VKGL Data-share Consensus. Not counted in ClinVar's aggregate classification.

Laboratory of Diagnostic Genome Analysis, Leiden University Medical Center (LUMC)
Classification: Likely benign. Review status: no assertion criteria provided. Collection method: clinical testing. Allele origin: germline. Affected: yes. Study: VKGL Data-share Consensus. Not counted in ClinVar's aggregate classification.